The following is an entry in ClinVar:

NM_003846.3(PEX11B):c.178C>A (p.Arg60Ser)

Gene: PEX11B (peroxisomal biogenesis factor 11 beta; minus strand). Cytogenetic location: 1q21.1.
Variant type: single nucleotide variant.
Coding change: c.178C>A on transcript NM_003846.3 (MANE Select); coding-DNA position 178, C replaced by A.
Protein change: p.Arg60Ser; replaces arginine 60 with serine.
Molecular consequence: missense variant. On other transcripts: non-coding transcript variant (3).
Genome position (GRCh38, 1-based): chr1:145,917,013, G>T on the plus strand (C>A on the coding strand, the complement: PEX11B is on the minus strand). VCF-style: chr1-145917013-G-T. GRCh37 (hg19) VCF-style: chr1-145518076-C-A.
Other names: c.136C>A, p.Arg46Ser (NM_001184795.1); short protein forms R46S, R60S.
Identifiers: ClinVar variation 3345991 (VCV003345991.2).
Genomic context (GRCh38, chr1:145,917,013, plus strand): 5'-CATCTGATAGGTGAACAGCTCTTTTGGCTGACTCAAGGGCATCTGCTGAGTTACCCAGGC[G>T]TAGAACTTGTGGAGATTAGAAAGGGAAAGCAAGGATTTGTAAGTGGAGAGGCAGATAACA-3'
Protein context (NP_003837.1, residues 50-70): SHLSLGRKLL[Arg60Ser]LGNSADALES

ClinVar aggregate classification (germline): Uncertain significance (1 of 4 stars; one submission).

Conditions:
PEX11B-related disorder. Also called: PEX11B-related condition.

Submission:

PreventionGenetics, part of Exact Sciences
Classification: Uncertain significance for PEX11B-related condition. Last evaluated: 2026-03-25. Review status: criteria provided, single submitter. Criteria: ACMG Guidelines, 2015. Collection method: clinical testing. Allele origin: germline.
Comment: The PEX11B c.178C>A variant is predicted to result in the amino acid substitution p.Arg60Ser. To our knowledge, this variant has not been reported in the literature or in a large population database (gnomAD), indicating this variant is rare. At this time, the clinical significance of this variant is uncertain due to the absence of conclusive functional and genetic evidence.